The following is an entry in ClinVar:

ClinVar aggregate classification (germline): Conflicting classifications of pathogenicity. Review status: criteria provided, conflicting classifications (1 of 4 stars). 4 submissions from 4 submitters: Uncertain significance (3); Likely benign (1). Last evaluated 2026-04-21.

Conditions:
Noonan syndrome 4 (NS4). Also called: SOS1-Related Noonan Syndrome; NOONAN SYNDROME WITH PIGMENTED VILLONODULAR SYNOVITIS. Identifiers: Orphanet 648, MedGen C1853120, MONDO:0012547, OMIM 610733.
Cardiovascular phenotype. Identifiers: MedGen CN230736.
SOS1-related disorder. Also called: SOS1-related condition.
RASopathy. Also called: rasopathies; Noonan spectrum disorder. Identifiers: Orphanet 536391, MedGen C5555857, MONDO:0021060.

Allele frequency attached by ClinVar (database versions not stated): gnomAD 0.00001; TOPMed 0.00002.
gnomAD v4.1: 2 of 1,613,908 alleles (0.00012%); highest among the groups gnomAD compares: African/African-American, 0.0027%; no homozygotes.

Submissions (4):

PreventionGenetics, part of Exact Sciences
Classification: Uncertain significance for SOS1-related condition. Last evaluated: 2026-04-21. Review status: criteria provided, single submitter. Criteria: ACMG Guidelines, 2015. Collection method: clinical testing. Allele origin: germline.
Comment: The SOS1 c.3317A>G variant is predicted to result in the amino acid substitution p.Asp1106Gly. To our knowledge, this variant has not been reported in the literature. This variant is reported in 0.011% of alleles in individuals of African descent in gnomAD v2. However, in gnomAD v4 (available only on GRCh38), this variant is reported in 0.0027% of alleles in individuals of African descent. At this time, the clinical significance of this variant is uncertain due to the absence of conclusive functional and genetic evidence.

Labcorp Genetics (formerly Invitae), Labcorp
Classification: Likely benign for RASopathy. Last evaluated: 2024-06-11. Review status: criteria provided, single submitter. Criteria: Invitae Variant Classification Sherloc (09022015). Collection method: clinical testing. Allele origin: germline.

St. Jude Molecular Pathology, St. Jude Children's Research Hospital
Classification: Uncertain significance for Noonan syndrome 4. Last evaluated: 2024-05-24. Review status: criteria provided, single submitter. Criteria: St. Jude Assertion Criteria 2020. Collection method: clinical testing. Allele origin: germline.
Comment: The SOS1 c.3317A>G (p.Asp1106Gly) missense change has a maximum subpopulation frequency of 0.011% in gnomAD v2.1.1. The in silico tool REVEL is inconclusive about a pathogenic or benign effect of this variant on protein function, and to our knowledge functional studies have not been performed. To our knowledge, this variant has not been reported in individuals with Noonan syndrome. In summary, the evidence currently available is insufficient to determine the clinical significance of this variant. It has therefore been classified as of uncertain significance.

Ambry Genetics
Classification: Uncertain significance for Cardiovascular phenotype. Last evaluated: 2021-04-21. Review status: criteria provided, single submitter. Criteria: Ambry Variant Classification Scheme 2023. Collection method: clinical testing. Allele origin: germline.
Comment: The p.D1106G variant (also known as c.3317A>G), located in coding exon 20 of the SOS1 gene, results from an A to G substitution at nucleotide position 3317. The aspartic acid at codon 1106 is replaced by glycine, an amino acid with similar properties. This amino acid position is highly conserved in available vertebrate species. In addition, the in silico prediction for this alteration is inconclusive. Since supporting evidence is limited at this time, the clinical significance of this alteration remains unclear.

NM_005633.4(SOS1):c.3317A>G (p.Asp1106Gly)

Gene: SOS1 (SOS Ras/Rac guanine nucleotide exchange factor 1; minus strand). Cytogenetic location: 2p22.1.
Variant type: single nucleotide variant.
Coding change: c.3317A>G on transcript NM_005633.4 (MANE Select); coding-DNA position 3317, A replaced by G.
Protein change: p.Asp1106Gly; replaces aspartic acid 1106 with glycine.
Molecular consequence: missense variant.
Genome position (GRCh38, 1-based): chr2:38,995,152, T>C on the plus strand (A>G on the coding strand, the complement: SOS1 is on the minus strand). VCF-style: chr2-38995152-T-C. GRCh37 (hg19) VCF-style: chr2-39222293-T-C.
Other names: c.3296A>G, p.Asp1099Gly (NM_001382394.1); c.3317A>G, p.Asp1106Gly (NM_001382395.1); short protein forms D1099G, D1106G.
Identifiers: ClinVar variation 1730144 (VCV001730144.6), dbSNP rs1406906239, ClinGen allele CA346360344.